The following is an entry in ClinVar:

NM_003128.3(SPTBN1):c.4202G>A (p.Ser1401Asn)

Gene: SPTBN1 (spectrin beta, non-erythrocytic 1; plus strand). Cytogenetic location: 2p16.2.
Variant type: single nucleotide variant.
Coding change: c.4202G>A on transcript NM_003128.3 (MANE Select); coding-DNA position 4202, G replaced by A.
Protein change: p.Ser1401Asn; replaces serine 1401 with asparagine.
Molecular consequence: missense variant.
Genome position (GRCh38, 1-based): chr2:54,644,519, G>A. VCF-style: chr2-54644519-G-A. GRCh37 (hg19) VCF-style: chr2-54871656-G-A.
Other names: c.4163G>A, p.Ser1388Asn (NM_178313.3); short protein forms S1388N, S1401N.
Identifiers: ClinVar variation 4795864 (VCV004795864.1).

ClinVar aggregate classification (germline): Likely benign (1 of 4 stars; one submission).

Conditions:
Developmental delay, impaired speech, and behavioral abnormalities. Identifiers: MedGen C5561957, MONDO:0859178, OMIM 619475.

Submission:

Centre for Medical Genetics,  Mumbai
Classification: Likely benign for Developmental delay, impaired speech, and behavioral abnormalities. Last evaluated: 2026-02-17. Review status: criteria provided, single submitter. Criteria: ACMG Guidelines, 2015. Collection method: provider interpretation. Allele origin: germline. Inheritance: Autosomal dominant inheritance. Affected: no. Observed: 1 heterozygote.
Comment: The variant satisfies PM2 criteria; Extremely low frequency in gnomAD population databases. The variant satisfies PP2 criteria; Missense variant in a gene with low rate of benign missense mutations and for which missense mutation is a common mechanism of a disease. However, the variant satisfies BS2 criteria.

Literature cited by the submitters: PubMed 34211179.